The following is an entry in ClinVar:

ClinVar aggregate classification (germline): Uncertain significance (1 of 4 stars; one submission).

Submission:

Labcorp Genetics (formerly Invitae), Labcorp
Classification: Uncertain significance. Last evaluated: 2021-07-28. Review status: criteria provided, single submitter. Criteria: Invitae Variant Classification Sherloc (09022015). Collection method: clinical testing. Allele origin: germline.
Comment: In summary, the available evidence is currently insufficient to determine the role of this variant in disease. Therefore, it has been classified as a Variant of Uncertain Significance. Algorithms developed to predict the effect of missense changes on protein structure and function are either unavailable or do not agree on the potential impact of this missense change (SIFT: "Deleterious"; PolyPhen-2: "Probably Damaging"; Align-GVGD: "Class C0"). This variant has not been reported in the literature in individuals affected with CCDC88A-related conditions. This variant is not present in population databases (ExAC no frequency). This sequence change replaces alanine with serine at codon 1811 of the CCDC88A protein (p.Ala1811Ser). The alanine residue is moderately conserved and there is a moderate physicochemical difference between alanine and serine.

NM_001365480.1(CCDC88A):c.5434G>T (p.Ala1812Ser)

Gene: CCDC88A (coiled-coil and HOOK domain protein 88A; minus strand). Cytogenetic location: 2p16.1.
Variant type: single nucleotide variant.
Coding change: c.5434G>T on transcript NM_001365480.1 (MANE Select); coding-DNA position 5434, G replaced by T.
Protein change: p.Ala1812Ser; replaces alanine 1812 with serine.
Molecular consequence: missense variant.
Genome position (GRCh38, 1-based): chr2:55,295,714, C>A on the plus strand (G>T on the coding strand, the complement: CCDC88A is on the minus strand). VCF-style: chr2-55295714-C-A. GRCh37 (hg19) VCF-style: chr2-55522850-C-A.
Other names: c.5431G>T, p.Ala1811Ser (NM_001135597.2); c.5209G>T, p.Ala1737Ser (NM_001254943.2); c.5350G>T, p.Ala1784Ser (NM_018084.5); short protein forms A1784S, A1811S, A1812S, A1737S.
Identifiers: ClinVar variation 1355568 (VCV001355568.6), dbSNP rs2104549626, ClinGen allele CA346911494.
Genomic context (GRCh38, chr2:55,295,714, plus strand): 5'-GCAGTCTACTGTCCTTGGTCAAAAAATCATGGATGCTTGTCCTTCGTGTAGTTCCTTCGG[C>A]AGTTGAGATCACGCTGCTTGCACGAGGTAAAGTTGCATAAGGGTTACTATCTTTTGATTG-3'
Protein context (NP_001352409.1, residues 1802-1822): LPRASSVIST[Ala1812Ser]EGTTRRTSIH